The following is an entry in ClinVar:

ClinVar aggregate classification (germline): Likely pathogenic (1 of 4 stars; one submission).

Conditions:
Fanconi anemia complementation group J. Also called: BRIP1-Related Fanconi Anemia. Identifiers: Orphanet 84, MedGen C1836860, MONDO:0012187, OMIM 609054.
Familial cancer of breast. Also called: BREAST CANCER, FAMILIAL; Hereditary breast cancer; hereditary breast carcinoma. Identifiers: Orphanet 227535, MedGen C0346153, MONDO:0016419, OMIM 114480. Disease mechanism: loss of function.

Submission:

Labcorp Genetics (formerly Invitae), Labcorp
Classification: Likely pathogenic for Familial cancer of breast; Fanconi anemia complementation group J. Last evaluated: 2023-03-17. Review status: criteria provided, single submitter. Criteria: Invitae Variant Classification Sherloc (09022015). Collection method: clinical testing. Allele origin: germline.
Comment: In summary, the currently available evidence indicates that the variant is pathogenic, but additional data are needed to prove that conclusively. Therefore, this variant has been classified as Likely Pathogenic. Algorithms developed to predict the effect of sequence changes on RNA splicing suggest that this variant may disrupt the consensus splice site. This variant has not been reported in the literature in individuals affected with BRIP1-related conditions. This variant is not present in population databases (gnomAD no frequency). This sequence change affects a donor splice site in intron 5 of the BRIP1 gene. It is expected to disrupt RNA splicing. Variants that disrupt the donor or acceptor splice site typically lead to a loss of protein function (PMID: 16199547), and loss-of-function variants in BRIP1 are known to be pathogenic (PMID: 16116423, 17033622, 21964575).

Literature cited by the submitters: PubMed 16199547; PubMed 16116423; PubMed 17033622; PubMed 21964575.

NM_032043.3(BRIP1):c.507+2T>A

Gene: BRIP1 (BRCA1 interacting DNA helicase 1; minus strand). Cytogenetic location: 17q23.2.
Variant type: single nucleotide variant.
Coding change: c.507+2T>A on transcript NM_032043.3 (MANE Select); the canonical splice donor site of the intron after coding-DNA position 507, T replaced by A.
Molecular consequence: splice donor variant.
Genome position (GRCh38, 1-based): chr17:61,849,127, A>T on the plus strand (T>A on the coding strand, the complement: BRIP1 is on the minus strand). VCF-style: chr17-61849127-A-T. GRCh37 (hg19) VCF-style: chr17-59926488-A-T.
Identifiers: ClinVar variation 2945419 (VCV002945419.3), dbSNP rs2145761225, ClinGen allele CA400484340.
Genomic context (GRCh38, chr17:61,849,127, plus strand): 5'-ACTTGACTACCATGTTCAGCTGTAACTAACTGGGTTATTTACTGCCAATAAACTCTGTTT[A>T]CCTGCTGTGTAGTTTCTAAGGGTCGAATTCTTTTCTTCTCTACTTGAAAATCATCATTTT-3'